The following is an entry in ClinVar:

ClinVar aggregate classification (germline): Uncertain significance (1 of 4 stars; one submission).

Allele frequency attached by ClinVar (database versions not stated): gnomAD exomes below 0.00001.
gnomAD v4.1: 1 of 1,614,064 alleles (0.000062%); highest among the groups gnomAD compares: Non-Finnish European, 0.000085%; no homozygotes.

Submission:

GeneDx
Classification: Uncertain significance. Last evaluated: 2019-05-02. Review status: criteria provided, single submitter. Criteria: GeneDx Variant Classification Process June 2021. Collection method: clinical testing. Allele origin: germline. Affected: yes.
Comment: Not observed in large population cohorts (Lek et al., 2016); Has not been previously published as pathogenic or benign to our knowledge

NM_004211.5(SLC6A5):c.2101G>A (p.Glu701Lys)

Gene: SLC6A5 (solute carrier family 6 member 5; plus strand). Cytogenetic location: 11p15.1.
Variant type: single nucleotide variant.
Coding change: c.2101G>A on transcript NM_004211.5 (MANE Select); coding-DNA position 2101, G replaced by A.
Protein change: p.Glu701Lys; replaces glutamic acid 701 with lysine.
Molecular consequence: missense variant.
Genome position (GRCh38, 1-based): chr11:20,652,319, G>A. VCF-style: chr11-20652319-G-A. GRCh37 (hg19) VCF-style: chr11-20673865-G-A.
Other names: c.1399G>A, p.Glu467Lys (NM_001318369.2); short protein forms E467K, E701K.
Identifiers: ClinVar variation 1303636 (VCV001303636.2), dbSNP rs2133825001, ClinGen allele CA379915928.
Genomic context (GRCh38, chr11:20,652,319, plus strand): 5'-CTAACACGTGTGTCACTTTTCTCTTTCCAGTTTATCCTTTGCTTCAGCTTTTACCAGTGG[G>A]AGCCCATGACCTATGGCTCTTACCGCTATCCTAACTGGTCCATGGTGCTCGGATGGCTAA-3'
Protein context (NP_004202.4, residues 691-711): FILCFSFYQW[Glu701Lys]PMTYGSYRYP